The following is an entry in ClinVar:

NM_000179.3(MSH6):c.458-3T>C

Gene: MSH6 (mutS homolog 6; plus strand). Cytogenetic location: 2p16.3.
Variant type: single nucleotide variant.
Coding change: c.458-3T>C on transcript NM_000179.3 (MANE Select); 3 bases into the intron before coding-DNA position 458, T replaced by C.
Molecular consequence: intron variant. On other transcripts: 5 prime UTR variant (1).
Genome position (GRCh38, 1-based): chr2:47,795,891, T>C. VCF-style: chr2-47795891-T-C. GRCh37 (hg19) VCF-style: chr2-48023030-T-C.
Other names: c.-71T>C (NM_001406807.1); c.458-3T>C (NM_001406809.1, NM_001406796.1, NM_001406808.1 and 6 more transcripts); c.-279-2720T>C (NM_001406811.1, NM_001281493.2, NM_001406812.1 and 4 more transcripts); c.161-3T>C (NM_001406805.1, NM_001406797.1, NM_001406801.1 and 10 more transcripts); c.554-3T>C (NM_001406795.1, NM_001406802.1); c.464-3T>C (NM_001406813.1); c.-537-3T>C (NM_001406814.1); c.-68-3T>C (NM_001406799.1, NM_001406806.1); and 4 more.
Identifiers: ClinVar variation 3903696 (VCV003903696.2).

ClinVar aggregate classification (germline): Conflicting classifications of pathogenicity. Review status: criteria provided, conflicting classifications (1 of 4 stars). 2 submissions from 2 submitters: Uncertain significance (1); Likely benign (1). Last evaluated 2026-03-09.

Conditions:
Lynch syndrome 5 (LYNCH5). Also called: Colorectal cancer, hereditary nonpolyposis, type 5; Hereditary non-polyposis colorectal cancer, type 5. Identifiers: Orphanet 144, MedGen C1833477, MONDO:0013710, OMIM 614350. Disease mechanism: loss of function.
Hereditary cancer-predisposing syndrome. Also called: Neoplastic Syndromes, Hereditary; Tumor predisposition; Hereditary neoplastic syndrome; Hereditary Cancer Syndrome. Identifiers: Orphanet 140162, MedGen C0027672, MeSH D009386, MONDO:0015356.

Submissions (2):

Ambry Genetics
Classification: Uncertain significance for Hereditary cancer-predisposing syndrome. Last evaluated: 2026-03-09. Review status: criteria provided, single submitter. Criteria: Ambry Variant Classification Scheme 2023. Collection method: clinical testing. Allele origin: germline.
Comment: The c.458-3T>C intronic variant results from a T to C substitution 3 nucleotides upstream from coding exon 3 in the MSH6 gene. This nucleotide position is not well conserved in available vertebrate species. In silico splice site analysis predicts that this alteration will not have any significant effect on splicing. Based on the available evidence, the clinical significance of this variant remains unclear.

Myriad Genetics, Inc.
Classification: Likely benign for Lynch syndrome 5. Last evaluated: 2024-12-18. Review status: criteria provided, single submitter. Criteria: Myriad Autosomal Dominant, Autosomal Recessive and X-Linked Classification Criteria (2023). Collection method: clinical testing. Allele origin: unknown.
Comment: This variant is considered likely benign. This variant is intronic and is not expected to impact mRNA splicing.